The following is an entry in ClinVar:

NM_004006.3(DMD):c.9563C>T (p.Thr3188Met)

Gene: DMD (dystrophin; minus strand). Cytogenetic location: Xp21.2.
Variant type: single nucleotide variant.
Coding change: c.9563C>T on transcript NM_004006.3 (MANE Select); coding-DNA position 9563, C replaced by T.
Protein change: p.Thr3188Met; replaces threonine 3188 with methionine.
Molecular consequence: missense variant.
Genome position (GRCh38, 1-based): chrX:31,209,498, G>A on the plus strand (C>T on the coding strand, the complement: DMD is on the minus strand). VCF-style: chrX-31209498-G-A. GRCh37 (hg19) VCF-style: chrX-31227615-G-A.
Other names: c.9539C>T, p.Thr3180Met (NM_000109.4); c.9551C>T, p.Thr3184Met (NM_004009.3); c.9194C>T, p.Thr3065Met (NM_004010.3); c.5540C>T, p.Thr1847Met (NM_004011.4); c.5531C>T, p.Thr1844Met (NM_004012.4); c.2183C>T, p.Thr728Met (NM_004013.3, NM_004020.4, NM_004021.3 and 2 more transcripts); c.1376C>T, p.Thr459Met (NM_004014.3); c.359C>T, p.Thr120Met (NM_004015.3, NM_004016.3, NM_004017.3 and 2 more transcripts); short protein forms T3188M, T1844M, T3065M, T3180M, T1847M, T3184M, T459M, T120M.
Identifiers: ClinVar variation 502404 (VCV000502404.12), dbSNP rs1026613996, ClinGen allele CA328408174.

ClinVar aggregate classification (germline): Uncertain significance. Review status: criteria provided, multiple submitters, no conflicts (2 of 4 stars). 5 submissions from 5 submitters: Uncertain significance (5). Last evaluated 2025-04-09.

Conditions:
Duchenne muscular dystrophy (DMD). Also called: MUSCULAR DYSTROPHY, PSEUDOHYPERTROPHIC PROGRESSIVE, DUCHENNE TYPE; Duchenne Muscular Dystrophy (DMD). Identifiers: Orphanet 98896, MedGen C0013264, MONDO:0010679, OMIM 310200.
Cardiovascular phenotype. Identifiers: MedGen CN230736.

Allele frequency attached by ClinVar (database versions not stated): gnomAD exomes below 0.00001 and 0.00001; TOPMed below 0.00001; gnomAD 0.00003 and 0.00004.
gnomAD v4.1: 6 of 1,207,914 alleles (0.0005%); highest among the groups gnomAD compares: Admixed American, 0.0044%; no homozygotes.

Submissions (5):

Molecular Diagnostic Laboratory for Inherited Cardiovascular Disease, Montreal Heart Institute
Classification: Uncertain significance for Cardiovascular phenotype. Last evaluated: 2025-04-09. Review status: criteria provided, single submitter. Criteria: ACMG Guidelines, 2015. Collection method: clinical testing. Allele origin: germline. Affected: yes.
Comment: PM2, BP1

Labcorp Genetics (formerly Invitae), Labcorp
Classification: Uncertain significance for Duchenne muscular dystrophy. Last evaluated: 2024-09-08. Review status: criteria provided, single submitter. Criteria: Invitae Variant Classification Sherloc (09022015). Collection method: clinical testing. Allele origin: germline.
Comment: This sequence change replaces threonine, which is neutral and polar, with methionine, which is neutral and non-polar, at codon 3188 of the DMD protein (p.Thr3188Met). This variant is present in population databases (no rsID available, gnomAD 0.004%). This variant has not been reported in the literature in individuals affected with DMD-related conditions. ClinVar contains an entry for this variant (Variation ID: 502404). An algorithm developed to predict the effect of missense changes on protein structure and function (PolyPhen-2) suggests that this variant is likely to be disruptive. In summary, the available evidence is currently insufficient to determine the role of this variant in disease. Therefore, it has been classified as a Variant of Uncertain Significance.

Greenwood Genetic Center Diagnostic Laboratories, Greenwood Genetic Center
Classification: Uncertain significance. Last evaluated: 2024-08-29. Review status: criteria provided, single submitter. Criteria: ACMG Guidelines, 2015. Collection method: clinical testing. Allele origin: germline. Affected: yes.
Comment: PM2

GeneDx
Classification: Uncertain significance. Last evaluated: 2022-03-06. Review status: criteria provided, single submitter. Criteria: GeneDx Variant Classification Process June 2021. Collection method: clinical testing. Allele origin: germline. Affected: yes.
Comment: Not observed at significant frequency in large population cohorts (gnomAD); In silico analysis supports that this missense variant has a deleterious effect on protein structure/function; Has not been previously published as pathogenic or benign to our knowledge

Eurofins Ntd Llc (ga)
Classification: Uncertain significance. Last evaluated: 2017-06-05. Review status: criteria provided, single submitter. Criteria: EGL Classification Definitions 2015. Collection method: clinical testing. Allele origin: germline. Observed: 1 variant allele, 1 heterozygote.